The following is an entry in ClinVar:

ClinVar aggregate classification (germline): Benign/Likely benign. Review status: criteria provided, multiple submitters, no conflicts (2 of 4 stars). 4 submissions from 4 submitters: Benign (2); Likely benign (2). Last evaluated 2025-12-21.

Conditions:
Primary ciliary dyskinesia. Also called: Ciliary dyskinesia. Identifiers: Orphanet 244, MedGen C0008780, MONDO:0016575, HP:0012265.

Allele frequency attached by ClinVar (database versions not stated): gnomAD 0.00024 and 0.00042; TOPMed 0.00040; gnomAD exomes 0.00047 and 0.00079; ExAC 0.00072; 1000 Genomes Project 30x 0.00265; 1000 Genomes Project 0.00319.
gnomAD v4.1: 763 of 1,613,008 alleles (0.047%); highest among the groups gnomAD compares: East Asian, 1.6%; 3 homozygotes.

Submissions (4):

Labcorp Genetics (formerly Invitae), Labcorp
Classification: Benign for Primary ciliary dyskinesia. Last evaluated: 2025-12-21. Review status: criteria provided, single submitter. Criteria: Invitae Variant Classification Sherloc (09022015). Collection method: clinical testing. Allele origin: germline.

Blueprint Genetics
Classification: Likely benign. Last evaluated: 2024-11-27. Review status: criteria provided, single submitter. Criteria: ACMG Guidelines, 2015. Collection method: clinical testing. Allele origin: germline.

Ambry Genetics
Classification: Benign for Primary ciliary dyskinesia. Last evaluated: 2019-04-15. Review status: criteria provided, single submitter. Criteria: Ambry Variant Classification Scheme 2023. Collection method: clinical testing. Allele origin: germline.

Laboratory for Molecular Medicine, Mass General Brigham Personalized Medicine
Classification: Likely benign. Last evaluated: 2013-02-21. Review status: criteria provided, single submitter. Criteria: LMM Criteria. Collection method: clinical testing. Allele origin: germline. Observed: 1 variant allele.
Comment: Glu3471Lys in exon 64 of DNAH11: This variant is not expected to have clinical s ignificance because it has been identified in 2.8% (5/178) of Japanese chromosom es from a broad population by the 1000 Genomes Project (. gov/projects/SNP; dbSNP rs117729990).

NM_001277115.2(DNAH11):c.10411G>A (p.Glu3471Lys)

Gene: DNAH11 (dynein axonemal heavy chain 11; plus strand). Cytogenetic location: 7p15.3.
Variant type: single nucleotide variant.
Coding change: c.10411G>A on transcript NM_001277115.2 (MANE Select); coding-DNA position 10411, G replaced by A.
Protein change: p.Glu3471Lys; replaces glutamic acid 3471 with lysine.
Molecular consequence: missense variant.
Genome position (GRCh38, 1-based): chr7:21,816,545, G>A. VCF-style: chr7-21816545-G-A. GRCh37 (hg19) VCF-style: chr7-21856163-G-A.
Other names: short protein forms E3471K.
Identifiers: ClinVar variation 163119 (VCV000163119.22), dbSNP rs117729990, ClinGen allele CA175745.
Genomic context (GRCh38, chr7:21,816,545, plus strand): 5'-GAAGGCCTGGACTTGATATCCATGTTGACGGATGATGCTACAATTGCCGCCTGGAATAAC[G>A]AAGGACTGCCCAGTGACAGAATGTCCACCGAAAATGCCGCTATCCTAACACACTGTGAGC-3'
Protein context (NP_001264044.1, residues 3461-3481): DDATIAAWNN[Glu3471Lys]GLPSDRMSTE